The following is an entry in ClinVar:

NM_001356.5(DDX3X):c.865-2A>G

Gene: DDX3X (DEAD-box helicase 3 X-linked; plus strand). Cytogenetic location: Xp11.4.
Variant type: single nucleotide variant.
Coding change: c.865-2A>G on transcript NM_001356.5 (MANE Select); the canonical splice acceptor site of the intron before coding-DNA position 865, A replaced by G.
Molecular consequence: splice acceptor variant.
Genome position (GRCh38, 1-based): chrX:41,344,237, A>G. VCF-style: chrX-41344237-A-G. GRCh37 (hg19) VCF-style: chrX-41203490-A-G.
Other names: c.865-2A>G (NM_001193416.3); c.817-2A>G (NM_001193417.3); c.307-2A>G (NM_001363819.1).
Identifiers: ClinVar variation 977630 (VCV000977630.2), dbSNP rs1186948711, ClinGen allele CA412770536.

ClinVar aggregate classification (germline): Pathogenic. Review status: criteria provided, multiple submitters, no conflicts (2 of 4 stars). 2 submissions from 2 submitters: Pathogenic (2). Last evaluated 2021-10-02.

Conditions:
Global developmental delay (DD). Also called: Cognitive delay. Identifiers: MedGen C0557874, HP:0001263. Disease mechanism: loss of function.
Intellectual disability, X-linked 102 (MRXSSB). Also called: Intellectual developmental disorder, X-linked syndromic, Snijders Blok type. Identifiers: Orphanet 457260, MedGen C5393299, MONDO:0010497, OMIM 300958.

Submissions (2):

3billion
Classification: Pathogenic for Intellectual disability, X-linked 102. Last evaluated: 2021-10-02. Review status: criteria provided, single submitter. Criteria: ACMG Guidelines, 2015. Collection method: clinical testing. Allele origin: germline. Affected: yes. Observed: 1 heterozygote.
Comment: Canonical splice site: predicted to alter splicing and result in a loss or disruption of normal protein function through nonsense-mediated decay (NMD) or protein truncation. Multiple pathogenic variants are reported downstream of the variant (PVS1_VS). The variant was observed as assumed (i.e. paternity and maternity not confirmed) de novoo (3billion dataset, PM6). It is not observed in the gnomAD v2.1.1 dataset (PM2). Therefore, this variant is classified as pathogenic according to the recommendation of ACMG/AMP guideline.

Cytogénomique, Hospices Civils de Lyon
Classification: Pathogenic for Global developmental delay. Last evaluated: 2019-11-01. Review status: criteria provided, single submitter. Criteria: ACMG Guidelines, 2015. Collection method: clinical testing. Allele origin: de novo. Affected: yes.